The following is an entry in ClinVar:

NM_000135.4(FANCA):c.988C>G (p.His330Asp)

Gene: FANCA (FA complementation group A; minus strand). Cytogenetic location: 16q24.3.
Variant type: single nucleotide variant.
Coding change: c.988C>G on transcript NM_000135.4 (MANE Select); coding-DNA position 988, C replaced by G.
Protein change: p.His330Asp; replaces histidine 330 with aspartic acid.
Molecular consequence: missense variant.
Genome position (GRCh38, 1-based): chr16:89,795,924, G>C on the plus strand (C>G on the coding strand, the complement: FANCA is on the minus strand). VCF-style: chr16-89795924-G-C. GRCh37 (hg19) VCF-style: chr16-89862332-G-C.
Other names: c.988C>G, p.His330Asp (NM_001286167.3); c.988C>G (NM_000135.2); short protein forms H330D.
Identifiers: ClinVar variation 1404110 (VCV001404110.9), dbSNP rs753951882, ClinGen allele CA8252601.
Genomic context (GRCh38, chr16:89,795,924, plus strand): 5'-CCAAAATGGGTAGCAACTGAGCAGCCTCCACACTGGGCCTACCTTTCAGCACAGGGCTGT[G>C]AGTGAGTATCTGAGTCAGGGTATGACTGAAGAACCTCTTCAGAGGATCTGTGGAAATTAC-3'
Protein context (NP_000126.2, residues 320-340): FSHTLTQILT[His330Asp]SPVLKASDAV

ClinVar aggregate classification (germline): Uncertain significance. Review status: criteria provided, multiple submitters, no conflicts (2 of 4 stars). 2 submissions from 2 submitters: Uncertain significance (2). Last evaluated 2025-05-05.

Conditions:
Inborn genetic diseases. Identifiers: MedGen C0950123, MeSH D030342.
Fanconi anemia (FA). Also called: Fanconi's anemia. Identifiers: Orphanet 84, MedGen C0015625, MeSH D005199, MONDO:0019391.

Allele frequency attached by ClinVar (database versions not stated): gnomAD exomes below 0.00001; ExAC 0.00001.

Submissions (2):

Ambry Genetics
Classification: Uncertain significance for Inborn genetic diseases. Last evaluated: 2025-05-05. Review status: criteria provided, single submitter. Criteria: Ambry Variant Classification Scheme 2023. Collection method: clinical testing. Allele origin: germline.
Comment: The p.H330D variant (also known as c.988C>G), located in coding exon 11 of the FANCA gene, results from a C to G substitution at nucleotide position 988. The histidine at codon 330 is replaced by aspartic acid, an amino acid with similar properties. This amino acid position is conserved. In addition, this alteration is predicted to be tolerated by in silico analysis. Based on the available evidence, the clinical significance of this variant remains unclear.

Labcorp Genetics (formerly Invitae), Labcorp
Classification: Uncertain significance for Fanconi anemia. Last evaluated: 2023-08-02. Review status: criteria provided, single submitter. Criteria: Invitae Variant Classification Sherloc (09022015). Collection method: clinical testing. Allele origin: germline.
Comment: This variant is present in population databases (rs753951882, gnomAD 0.003%). This variant has not been reported in the literature in individuals affected with FANCA-related conditions. ClinVar contains an entry for this variant (Variation ID: 1404110). Advanced modeling of protein sequence and biophysical properties (such as structural, functional, and spatial information, amino acid conservation, physicochemical variation, residue mobility, and thermodynamic stability) performed at Invitae indicates that this missense variant is expected to disrupt FANCA protein function. In summary, the available evidence is currently insufficient to determine the role of this variant in disease. Therefore, it has been classified as a Variant of Uncertain Significance. This sequence change replaces histidine, which is basic and polar, with aspartic acid, which is acidic and polar, at codon 330 of the FANCA protein (p.His330Asp).